The following is an entry in ClinVar:

NM_005633.4(SOS1):c.1534C>T (p.His512Tyr)

Gene: SOS1 (SOS Ras/Rac guanine nucleotide exchange factor 1; minus strand). Cytogenetic location: 2p22.1.
Variant type: single nucleotide variant.
Coding change: c.1534C>T on transcript NM_005633.4 (MANE Select); coding-DNA position 1534, C replaced by T.
Protein change: p.His512Tyr; replaces histidine 512 with tyrosine.
Molecular consequence: missense variant.
Genome position (GRCh38, 1-based): chr2:39,022,894, G>A on the plus strand (C>T on the coding strand, the complement: SOS1 is on the minus strand). VCF-style: chr2-39022894-G-A. GRCh37 (hg19) VCF-style: chr2-39250035-G-A.
Other names: c.1513C>T, p.His505Tyr (NM_001382394.1); c.1534C>T, p.His512Tyr (NM_001382395.1); short protein forms H512Y, H505Y.
Identifiers: ClinVar variation 3019860 (VCV003019860.4), dbSNP rs2529036386, ClinGen allele CA346365948.
Genomic context (GRCh38, chr2:39,022,894, plus strand): 5'-CAGCTGACTTGGCAGAAAATATAACACTATTTTCATCTTTTAAAATTATTTCAAAAGCAT[G>A]CTTGTATTCATTGGTGTCATCTTTATCATTAATTTGTACCTTTCGCATAAAAAACTTTTC-3'
Protein context (NP_005624.2, residues 502-522): NDKDDTNEYK[His512Tyr]AFEIILKDEN

ClinVar aggregate classification (germline): Uncertain significance. Review status: criteria provided, multiple submitters, no conflicts (2 of 4 stars). 2 submissions from 2 submitters: Uncertain significance (2). Last evaluated 2025-08-02.

Conditions:
Cardiovascular phenotype. Identifiers: MedGen CN230736.
RASopathy. Also called: Noonan spectrum disorder; rasopathies. Identifiers: Orphanet 536391, MedGen C5555857, MONDO:0021060.

Allele frequency attached by ClinVar (database versions not stated): gnomAD exomes below 0.00001.
gnomAD v4.1: 1 of 1,610,960 alleles (0.000062%); highest among the groups gnomAD compares: Non-Finnish European, 0.000085%; no homozygotes.

Submissions (2):

Ambry Genetics
Classification: Uncertain significance for Cardiovascular phenotype. Last evaluated: 2025-08-02. Review status: criteria provided, single submitter. Criteria: Ambry Variant Classification Scheme 2023. Collection method: clinical testing. Allele origin: germline.

Labcorp Genetics (formerly Invitae), Labcorp
Classification: Uncertain significance for RASopathy. Last evaluated: 2024-12-23. Review status: criteria provided, single submitter. Criteria: Invitae Variant Classification Sherloc (09022015). Collection method: clinical testing. Allele origin: germline.
Comment: This sequence change replaces histidine, which is basic and polar, with tyrosine, which is neutral and polar, at codon 512 of the SOS1 protein (p.His512Tyr). This variant is not present in population databases (gnomAD no frequency). This variant has not been reported in the literature in individuals affected with SOS1-related conditions. ClinVar contains an entry for this variant (Variation ID: 3019860). Invitae Evidence Modeling of protein sequence and biophysical properties (such as structural, functional, and spatial information, amino acid conservation, physicochemical variation, residue mobility, and thermodynamic stability) has been performed for this missense variant. However, the output from this modeling did not meet the statistical confidence thresholds required to predict the impact of this variant on SOS1 protein function. In summary, the available evidence is currently insufficient to determine the role of this variant in disease. Therefore, it has been classified as a Variant of Uncertain Significance.